The following is an entry in ClinVar:

ClinVar aggregate classification (germline): Uncertain significance (1 of 4 stars; one submission).

Conditions:
Compton-North congenital myopathy (CMYO12). Identifiers: Orphanet 210163, MedGen C2675527, MONDO:0012929, OMIM 612540.

Submission:

Labcorp Genetics (formerly Invitae), Labcorp
Classification: Uncertain significance for Compton-North congenital myopathy. Last evaluated: 2022-07-19. Review status: criteria provided, single submitter. Criteria: Invitae Variant Classification Sherloc (09022015). Collection method: clinical testing. Allele origin: germline.
Comment: This sequence change replaces threonine, which is neutral and polar, with isoleucine, which is neutral and non-polar, at codon 23 of the CNTN1 protein (p.Thr23Ile). This variant is not present in population databases (gnomAD no frequency). This variant has not been reported in the literature in individuals affected with CNTN1-related conditions. Advanced modeling of protein sequence and biophysical properties (such as structural, functional, and spatial information, amino acid conservation, physicochemical variation, residue mobility, and thermodynamic stability) performed at Invitae indicates that this missense variant is not expected to disrupt CNTN1 protein function. In summary, the available evidence is currently insufficient to determine the role of this variant in disease. Therefore, it has been classified as a Variant of Uncertain Significance.

NM_001843.4(CNTN1):c.68C>T (p.Thr23Ile)

Gene: CNTN1 (contactin 1; plus strand). Cytogenetic location: 12q12.
Variant type: single nucleotide variant.
Coding change: c.68C>T on transcript NM_001843.4 (MANE Select); coding-DNA position 68, C replaced by T.
Protein change: p.Thr23Ile; replaces threonine 23 with isoleucine.
Molecular consequence: missense variant. On other transcripts: intron variant (1).
Genome position (GRCh38, 1-based): chr12:40,910,079, C>T. VCF-style: chr12-40910079-C-T. GRCh37 (hg19) VCF-style: chr12-41303881-C-T.
Other names: c.68C>T, p.Thr23Ile (NM_001256063.2, NM_001256064.2); c.61+1586C>T (NM_175038.2); short protein forms T23I.
Identifiers: ClinVar variation 2085916 (VCV002085916.4), dbSNP rs2499291855, ClinGen allele CA384421443.